The following is an entry in ClinVar:

ClinVar aggregate classification (germline): Uncertain significance (1 of 4 stars; one submission).

Conditions:
Familial sleep-related hypermotor epilepsy. Also called: Autosomal Dominant Sleep-Related Hypermotor (Hyperkinetic) Epilepsy. Identifiers: Orphanet 98784, MedGen C3696898, MONDO:0000030.

Allele frequency attached by ClinVar (database versions not stated): TOPMed below 0.00001.

Submission:

Labcorp Genetics (formerly Invitae), Labcorp
Classification: Uncertain significance. Last evaluated: 2024-10-07. Review status: criteria provided, single submitter. Criteria: Invitae Variant Classification Sherloc (09022015). Collection method: clinical testing. Allele origin: germline.
Comment: This sequence change replaces glutamine, which is neutral and polar, with arginine, which is basic and polar, at codon 484 of the CHRNB2 protein (p.Gln484Arg). This variant is present in population databases (no rsID available, gnomAD 0.003%). This variant has not been reported in the literature in individuals affected with CHRNB2-related conditions. ClinVar contains an entry for this variant (Variation ID: 1449854). Invitae Evidence Modeling of protein sequence and biophysical properties (such as structural, functional, and spatial information, amino acid conservation, physicochemical variation, residue mobility, and thermodynamic stability) indicates that this missense variant is not expected to disrupt CHRNB2 protein function with a negative predictive value of 95%. In summary, the available evidence is currently insufficient to determine the role of this variant in disease. Therefore, it has been classified as a Variant of Uncertain Significance.

NM_000748.3(CHRNB2):c.1451A>G (p.Gln484Arg)

Gene: CHRNB2 (cholinergic receptor nicotinic beta 2 subunit; plus strand). Cytogenetic location: 1q21.3.
Variant type: single nucleotide variant.
Coding change: c.1451A>G on transcript NM_000748.3 (MANE Select); coding-DNA position 1451, A replaced by G.
Protein change: p.Gln484Arg; replaces glutamine 484 with arginine.
Molecular consequence: missense variant.
Genome position (GRCh38, 1-based): chr1:154,575,874, A>G. VCF-style: chr1-154575874-A-G. GRCh37 (hg19) VCF-style: chr1-154548350-A-G.
Other names: short protein forms Q484R.
Identifiers: ClinVar variation 1449854 (VCV001449854.8), dbSNP rs1275049751, ClinGen allele CA342633152.